The following is an entry in ClinVar:

NM_004168.4(SDHA):c.1313G>T (p.Cys438Phe)

Gene: SDHA (succinate dehydrogenase complex flavoprotein subunit A; plus strand). Cytogenetic location: 5p15.33.
Variant type: single nucleotide variant.
Coding change: c.1313G>T on transcript NM_004168.4 (MANE Select); coding-DNA position 1313, G replaced by T.
Protein change: p.Cys438Phe; replaces cysteine 438 with phenylalanine.
Molecular consequence: missense variant.
Genome position (GRCh38, 1-based): chr5:236,480, G>T. VCF-style: chr5-236480-G-T. GRCh37 (hg19) VCF-style: chr5-236595-G-T.
Other names: c.1169G>T, p.Cys390Phe (NM_001294332.2); c.1313G>T, p.Cys438Phe (NM_001330758.2); short protein forms C438F, C390F.
Identifiers: ClinVar variation 539632 (VCV000539632.9), dbSNP rs1424809160, ClinGen allele CA359013907.
Genomic context (GRCh38, chr5:236,480, plus strand): 5'-TTCCACAGGTCCTGAGGCACGTGAATGGCCAGGATCAGATTGTGCCCGGCCTGTACGCCT[G>T]TGGGGAGGCCGCCTGTGCCTCGGTACATGGTGCCAACCGCCTCGGGGCAAACTCGCTCTT-3'
Protein context (NP_004159.2, residues 428-448): QDQIVPGLYA[Cys438Phe]GEAACASVHG

ClinVar aggregate classification (germline): Uncertain significance. Review status: criteria provided, multiple submitters, no conflicts (2 of 4 stars). 2 submissions from 2 submitters: Uncertain significance (2). Last evaluated 2024-07-11.
ClinVar aggregate classification (oncogenicity): Likely oncogenic (1 of 4 stars; one submission).

Conditions:
Mitochondrial complex II deficiency, nuclear type 1. Also called: SUCCINATE CoQ REDUCTASE DEFICIENCY. Identifiers: Orphanet 3208, MedGen C5700310, MONDO:0100294, OMIM 252011.
Pheochromocytoma/paraganglioma syndrome 5. Also called: Paragangliomas 5; SDHA-Related Hereditary Paraganglioma-Pheochromocytoma Syndrome. Identifiers: Orphanet 29072, MedGen C3279992, MONDO:0013602, OMIM 614165.
Hereditary cancer-predisposing syndrome. Also called: Neoplastic Syndromes, Hereditary; Tumor predisposition; Hereditary neoplastic syndrome; Hereditary Cancer Syndrome. Identifiers: Orphanet 140162, MedGen C0027672, MeSH D009386, MONDO:0015356.
Neoplasm. Also called: Neoplasms; Neoplasm (disease); tumor. Identifiers: MedGen C0027651, MeSH D009369, MONDO:0005070, HP:0002664.

Allele frequency attached by ClinVar (database versions not stated): gnomAD exomes below 0.00001.
gnomAD v4.1: 4 of 1,614,002 alleles (0.00025%); highest among the groups gnomAD compares: Non-Finnish European, 0.00034%; no homozygotes.

Submissions (3):

Center for Genomic Medicine, Rigshospitalet, Copenhagen University Hospital
Classification: Likely oncogenic for Neoplasm. Last evaluated: 2025-12-29. Review status: criteria provided, single submitter. Criteria: ClinGen/CGC/VICC Guidelines for Oncogenicity, 2022. Collection method: clinical testing. Allele origin: somatic. Affected: yes.

Ambry Genetics
Classification: Uncertain significance for Hereditary cancer-predisposing syndrome. Last evaluated: 2024-07-11. Review status: criteria provided, single submitter. Criteria: Ambry Variant Classification Scheme 2023. Collection method: clinical testing. Allele origin: germline.
Comment: The p.C438F variant (also known as c.1313G>T), located in coding exon 10 of the SDHA gene, results from a G to T substitution at nucleotide position 1313. The cysteine at codon 438 is replaced by phenylalanine, an amino acid with highly dissimilar properties. Functional studies in yeast demonstrated that this variant impairs SDHA activity (Bannon AE et al. Clin Cancer Res, 2017 Nov;23:6733-6743). This amino acid position is highly conserved in available vertebrate species. In addition, this alteration is predicted to be deleterious by in silico analysis. Based on the available evidence, the clinical significance of this variant remains unclear.

Labcorp Genetics (formerly Invitae), Labcorp
Classification: Uncertain significance for Pheochromocytoma/paraganglioma syndrome 5; Mitochondrial complex II deficiency, nuclear type 1. Last evaluated: 2022-09-09. Review status: criteria provided, single submitter. Criteria: Invitae Variant Classification Sherloc (09022015). Collection method: clinical testing. Allele origin: germline.
Comment: In summary, the available evidence is currently insufficient to determine the role of this variant in disease. Therefore, it has been classified as a Variant of Uncertain Significance. Experimental studies have shown that this missense change affects SDHA function (PMID: 28724664). Advanced modeling of protein sequence and biophysical properties (such as structural, functional, and spatial information, amino acid conservation, physicochemical variation, residue mobility, and thermodynamic stability) has been performed at Invitae for this missense variant, however the output from this modeling did not meet the statistical confidence thresholds required to predict the impact of this variant on SDHA protein function. ClinVar contains an entry for this variant (Variation ID: 539632). This variant has not been reported in the literature in individuals affected with SDHA-related conditions. This variant is present in population databases (no rsID available, gnomAD 0.0009%). This sequence change replaces cysteine, which is neutral and slightly polar, with phenylalanine, which is neutral and non-polar, at codon 438 of the SDHA protein (p.Cys438Phe).

Literature cited by the submitters: PubMed 28724664 (cited by 3 submitters).